The following is an entry in ClinVar:

ClinVar aggregate classification (germline): Uncertain significance. Review status: criteria provided, multiple submitters, no conflicts (2 of 4 stars). 2 submissions from 2 submitters: Uncertain significance (2). Last evaluated 2025-12-09.

Allele frequency attached by ClinVar (database versions not stated): ExAC 0.00001.
gnomAD v4.1: 19 of 1,609,816 alleles (0.0012%); highest among the groups gnomAD compares: Admixed American, 0.0017%; no homozygotes.

Submissions (2):

Ambry Genetics
Classification: Uncertain significance. Last evaluated: 2025-12-09. Review status: criteria provided, single submitter. Criteria: Ambry Variant Classification Scheme 2023. Collection method: clinical testing. Allele origin: germline.

Labcorp Genetics (formerly Invitae), Labcorp
Classification: Uncertain significance. Last evaluated: 2024-07-30. Review status: criteria provided, single submitter. Criteria: Invitae Variant Classification Sherloc (09022015). Collection method: clinical testing. Allele origin: germline.
Comment: This sequence change replaces proline, which is neutral and non-polar, with glutamine, which is neutral and polar, at codon 778 of the DSCAML1 protein (p.Pro778Gln). This variant is present in population databases (rs201301525, gnomAD 0.003%). This variant has not been reported in the literature in individuals affected with DSCAML1-related conditions. ClinVar contains an entry for this variant (Variation ID: 1913528). An algorithm developed to predict the effect of missense changes on protein structure and function (PolyPhen-2) suggests that this variant is likely to be tolerated. In summary, the available evidence is currently insufficient to determine the role of this variant in disease. Therefore, it has been classified as a Variant of Uncertain Significance.

NM_020693.4(DSCAML1):c.2153C>A (p.Pro718Gln)

Gene: DSCAML1 (DS cell adhesion molecule like 1; minus strand). Cytogenetic location: 11q23.3.
Variant type: single nucleotide variant.
Coding change: c.2153C>A on transcript NM_020693.4 (MANE Select); coding-DNA position 2153, C replaced by A.
Protein change: p.Pro718Gln; replaces proline 718 with glutamine.
Molecular consequence: missense variant.
Genome position (GRCh38, 1-based): chr11:117,504,953, G>T on the plus strand (C>A on the coding strand, the complement: DSCAML1 is on the minus strand). VCF-style: chr11-117504953-G-T. GRCh37 (hg19) VCF-style: chr11-117375668-G-T.
Other names: c.2153C>A, p.Pro718Gln (NM_001367904.1); c.2333C>A (NM_020693.2); short protein forms P718Q.
Identifiers: ClinVar variation 1913528 (VCV001913528.6), dbSNP rs201301525, ClinGen allele CA6297092.